The following is an entry in ClinVar:

ClinVar aggregate classification (germline): Uncertain significance (1 of 4 stars; one submission).

Allele frequency attached by ClinVar (database versions not stated): gnomAD exomes below 0.00001.
gnomAD v4.1: 1 of 1,614,086 alleles (0.000062%); highest among the groups gnomAD compares: Non-Finnish European, 0.000085%; no homozygotes.

Submission:

Labcorp Genetics (formerly Invitae), Labcorp
Classification: Uncertain significance. Last evaluated: 2022-02-04. Review status: criteria provided, single submitter. Criteria: Invitae Variant Classification Sherloc (09022015). Collection method: clinical testing. Allele origin: germline.
Comment: In summary, the available evidence is currently insufficient to determine the role of this variant in disease. Therefore, it has been classified as a Variant of Uncertain Significance. Algorithms developed to predict the effect of missense changes on protein structure and function are either unavailable or do not agree on the potential impact of this missense change (SIFT: "Deleterious"; PolyPhen-2: "Benign"; Align-GVGD: "Class C0"). This variant has not been reported in the literature in individuals affected with ZNF341-related conditions. This variant is not present in population databases (gnomAD no frequency). This sequence change replaces glutamic acid, which is acidic and polar, with glycine, which is neutral and non-polar, at codon 485 of the ZNF341 protein (p.Glu485Gly).

NM_001282933.2(ZNF341):c.1475A>G (p.Glu492Gly)

Gene: ZNF341 (zinc finger protein 341; plus strand). Cytogenetic location: 20q11.22.
Variant type: single nucleotide variant.
Coding change: c.1475A>G on transcript NM_001282933.2 (MANE Select); coding-DNA position 1475, A replaced by G.
Protein change: p.Glu492Gly; replaces glutamic acid 492 with glycine.
Molecular consequence: missense variant. On other transcripts: non-coding transcript variant (1).
Genome position (GRCh38, 1-based): chr20:33,770,145, A>G. VCF-style: chr20-33770145-A-G. GRCh37 (hg19) VCF-style: chr20-32357951-A-G.
Other names: c.1205A>G, p.Glu402Gly (NM_001282935.2); c.1454A>G, p.Glu485Gly (NM_032819.5); short protein forms E402G, E485G, E492G.
Identifiers: ClinVar variation 1374178 (VCV001374178.6), dbSNP rs2122705251, ClinGen allele CA408658247.
Genomic context (GRCh38, chr20:33,770,145, plus strand): 5'-TGTACAAGTGTGTGGTCAAAAGCTGTGCCCAGACGTTCCCAAAGCTCGACACATTTCTGG[A>G]GCACATCAAGAGCCACCAGGAGGAGCTGAGCTACCGCTGCCACCTCTGCGGCAAGGACTT-3'
Protein context (NP_001269862.1, residues 482-502): QTFPKLDTFL[Glu492Gly]HIKSHQEELS